The following is an entry in ClinVar:

ClinVar aggregate classification (germline): Uncertain significance (1 of 4 stars; one submission).

Allele frequency attached by ClinVar (database versions not stated): gnomAD exomes below 0.00001.
gnomAD v4.1: 1 of 1,548,862 alleles (0.000065%); highest among the groups gnomAD compares: Non-Finnish European, 0.000087%; no homozygotes.

Submission:

GeneDx
Classification: Uncertain significance. Last evaluated: 2020-01-15. Review status: criteria provided, single submitter. Criteria: GeneDx Variant Classification Process June 2021. Collection method: clinical testing. Allele origin: germline. Affected: yes.
Comment: Not observed in large population cohorts (Lek et al., 2016); In silico analysis, which includes protein predictors and evolutionary conservation, supports a deleterious effect; Has not been previously published as pathogenic or benign to our knowledge

NM_001197104.2(KMT2A):c.409G>T (p.Gly137Cys)

Gene: KMT2A (lysine methyltransferase 2A; plus strand). Cytogenetic location: 11q23.3.
Variant type: single nucleotide variant.
Coding change: c.409G>T on transcript NM_001197104.2 (MANE Select); coding-DNA position 409, G replaced by T.
Protein change: p.Gly137Cys; replaces glycine 137 with cysteine.
Molecular consequence: missense variant.
Genome position (GRCh38, 1-based): chr11:118,436,921, G>T. VCF-style: chr11-118436921-G-T. GRCh37 (hg19) VCF-style: chr11-118307636-G-T.
Other names: c.409G>T, p.Gly137Cys (NM_005933.4); short protein forms G137C.
Identifiers: ClinVar variation 1313895 (VCV001313895.2), dbSNP rs2134155322, ClinGen allele CA382798715.